The following is an entry in ClinVar:

NM_173500.4(TTBK2):c.304G>T (p.Ala102Ser)

Gene: TTBK2 (tau tubulin kinase 2; minus strand). Cytogenetic location: 15q15.2.
Variant type: single nucleotide variant.
Coding change: c.304G>T on transcript NM_173500.4 (MANE Select); coding-DNA position 304, G replaced by T.
Protein change: p.Ala102Ser; replaces alanine 102 with serine.
Molecular consequence: missense variant.
Genome position (GRCh38, 1-based): chr15:42,830,066, C>A on the plus strand (G>T on the coding strand, the complement: TTBK2 is on the minus strand). VCF-style: chr15-42830066-C-A. GRCh37 (hg19) VCF-style: chr15-43122264-C-A.
Other names: short protein forms A102S.
Identifiers: ClinVar variation 887329 (VCV000887329.8), dbSNP rs201683789, ClinGen allele CA7517507.

ClinVar aggregate classification (germline): Uncertain significance. Review status: criteria provided, multiple submitters, no conflicts (2 of 4 stars). 3 submissions from 3 submitters: Uncertain significance (3). Last evaluated 2025-05-21.

Conditions:
Spinocerebellar ataxia type 11 (SCA11). Identifiers: Orphanet 98767, MedGen C1858351, MONDO:0011464, OMIM 604432.

Allele frequency attached by ClinVar (database versions not stated): TOPMed 0.00001; ExAC 0.00002; gnomAD exomes 0.00002 and 0.00001; gnomAD 0.00001.
gnomAD v4.1: 28 of 1,613,964 alleles (0.0017%); highest among the groups gnomAD compares: Admixed American, 0.0033%; 1 homozygote.

Submissions (3):

Dasa
Classification: Uncertain significance. Last evaluated: 2025-05-21. Review status: criteria provided, single submitter. Criteria: DASA Assertion Criteria. Collection method: clinical testing. Allele origin: germline.
Comment: NM_173500.4(TTBK2):c.304G>T (p.Ala102Ser) is a missense variant that results in the substitution of alanine with serine. This variant is rare in population databases. The currently available literature and clinical evidence are not sufficient to establish a definitive association between this variant and the reported condition. Therefore, this variant is classified as a variant of uncertain significance.

Labcorp Genetics (formerly Invitae), Labcorp
Classification: Uncertain significance. Last evaluated: 2024-12-16. Review status: criteria provided, single submitter. Criteria: Invitae Variant Classification Sherloc (09022015). Collection method: clinical testing. Allele origin: germline.
Comment: This sequence change replaces alanine, which is neutral and non-polar, with serine, which is neutral and polar, at codon 102 of the TTBK2 protein (p.Ala102Ser). This variant is present in population databases (rs201683789, gnomAD 0.003%). This variant has not been reported in the literature in individuals affected with TTBK2-related conditions. ClinVar contains an entry for this variant (Variation ID: 887329). Invitae Evidence Modeling of protein sequence and biophysical properties (such as structural, functional, and spatial information, amino acid conservation, physicochemical variation, residue mobility, and thermodynamic stability) indicates that this missense variant is expected to disrupt TTBK2 protein function with a positive predictive value of 80%. In summary, the available evidence is currently insufficient to determine the role of this variant in disease. Therefore, it has been classified as a Variant of Uncertain Significance.

Illumina Laboratory Services, Illumina
Classification: Uncertain significance for Spinocerebellar ataxia type 11. Last evaluated: 2018-01-13. Review status: criteria provided, single submitter. Criteria: ICSL Variant Classification Criteria 13 December 2019. Collection method: clinical testing. Allele origin: germline.